The following is an entry in ClinVar:

NM_007194.4(CHEK2):c.908+19A>G

Gene: CHEK2 (checkpoint kinase 2; minus strand). Cytogenetic location: 22q12.1.
Variant type: single nucleotide variant.
Coding change: c.908+19A>G on transcript NM_007194.4 (MANE Select); 19 bases into the intron after coding-DNA position 908, A replaced by G.
Molecular consequence: intron variant.
Genome position (GRCh38, 1-based): chr22:28,703,486, T>C on the plus strand (A>G on the coding strand, the complement: CHEK2 is on the minus strand). VCF-style: chr22-28703486-T-C. GRCh37 (hg19) VCF-style: chr22-29099474-T-C.
Other names: c.245+19A>G (NM_001437942.1, NM_001257387.3); c.707+19A>G (NM_001349956.3); c.908+19A>G (NM_145862.3); c.1001+19A>G (NM_001438295.1, NM_001438293.1); c.1037+19A>G (NM_001438294.1, NM_001005735.3).
Identifiers: ClinVar variation 511188 (VCV000511188.9), dbSNP rs759973493, ClinGen allele CA658799513.

ClinVar aggregate classification (germline): Likely benign. Review status: criteria provided, multiple submitters, no conflicts (2 of 4 stars). 2 submissions from 2 submitters: Likely benign (2). Last evaluated 2025-10-29.

Conditions:
Familial cancer of breast. Also called: hereditary breast carcinoma; BREAST CANCER, FAMILIAL; Hereditary breast cancer. Identifiers: Orphanet 227535, MedGen C0346153, MONDO:0016419, OMIM 114480. Disease mechanism: loss of function.

gnomAD v4.1: 1 of 1,256,878 alleles (0.00008%); highest among the groups gnomAD compares: East Asian, 0.0024%; no homozygotes.

Submissions (2):

Labcorp Genetics (formerly Invitae), Labcorp
Classification: Likely benign for Familial cancer of breast. Last evaluated: 2025-10-29. Review status: criteria provided, single submitter. Criteria: Invitae Variant Classification Sherloc (09022015). Collection method: clinical testing. Allele origin: germline.

GeneDx
Classification: Likely benign. Last evaluated: 2017-08-04. Review status: criteria provided, single submitter. Criteria: GeneDx Variant Classification (06012015). Collection method: clinical testing. Allele origin: germline. Affected: yes.
Comment: This variant is considered likely benign or benign based on one or more of the following criteria: it is a conservative change, it occurs at a poorly conserved position in the protein, it is predicted to be benign by multiple in silico algorithms, and/or has population frequency not consistent with disease.